The following is an entry in ClinVar:

NM_005633.4(SOS1):c.83A>G (p.Lys28Arg)

Genes: SOS1 (SOS Ras/Rac guanine nucleotide exchange factor 1; minus strand), LOC129933535 (ATAC-STARR-seq lymphoblastoid silent region 11384; plus strand). Cytogenetic location: 2p22.1.
Variant type: single nucleotide variant.
Coding change: c.83A>G on transcript NM_005633.4 (MANE Select); coding-DNA position 83, A replaced by G.
Protein change: p.Lys28Arg; replaces lysine 28 with arginine.
Molecular consequence: missense variant. On other transcripts: intron variant (1).
Genome position (GRCh38, 1-based): chr2:39,120,340, T>C on the plus strand (A>G on the coding strand, the complement: SOS1 is on the minus strand). VCF-style: chr2-39120340-T-C. GRCh37 (hg19) VCF-style: chr2-39347481-T-C.
Other names: c.83A>G, p.Lys28Arg (NM_001382395.1); c.66+4324A>G (NM_001382394.1); short protein forms K28R.
Identifiers: ClinVar variation 372577 (VCV000372577.1), dbSNP rs1057517867, ClinGen allele CA16042460.

ClinVar aggregate classification (germline): Uncertain significance (1 of 4 stars; one submission).

Allele frequency attached by ClinVar (database versions not stated): gnomAD exomes below 0.00001.
gnomAD v4.1: 1 of 1,584,076 alleles (0.000063%); highest among the groups gnomAD compares: Non-Finnish European, 0.000086%; no homozygotes.

Submission:

GeneDx
Classification: Uncertain significance. Last evaluated: 2015-10-29. Review status: criteria provided, single submitter. Criteria: GeneDx Variant Classification (06012015). Collection method: clinical testing. Allele origin: germline. Affected: yes.
Comment: The K28R variant has not been published as a pathogenic variant, nor has it been reported as a benign variant to our knowledge. The variant was not observed in approximately 6,500 individuals of European and African American ancestry in the NHLBI Exome Sequencing Project, indicating it is not a common benign variant in these populations. The K28R variant is a conservative amino acid substitution, which is not likely to impact secondary protein structure as these residues share similar properties. This substitution occurs at a position that is not conserved; however, in silico analysis is inconsistent in its predictions as to whether or not the variant is damaging to the protein structure/function. Therefore, based on the currently available information, it is unclear whether this variant is a pathogenic variant or a rare benign variant.